The following is an entry in ClinVar:

NM_005428.4(VAV1):c.1307G>T (p.Arg436Leu)

Gene: VAV1 (vav guanine nucleotide exchange factor 1; plus strand). Cytogenetic location: 19p13.3.
Variant type: single nucleotide variant.
Coding change: c.1307G>T on transcript NM_005428.4 (MANE Select); coding-DNA position 1307, G replaced by T.
Protein change: p.Arg436Leu; replaces arginine 436 with leucine.
Molecular consequence: missense variant.
Genome position (GRCh38, 1-based): chr19:6,829,827, G>T. VCF-style: chr19-6829827-G-T. GRCh37 (hg19) VCF-style: chr19-6829838-G-T.
Other names: c.1307G>T, p.Arg436Leu (NM_001258206.2); c.1211G>T, p.Arg404Leu (NM_001258207.2); short protein forms R404L, R436L.
Identifiers: ClinVar variation 2761509 (VCV002761509.3), dbSNP rs2144785261, ClinGen allele CA403624291.

ClinVar aggregate classification (germline): Uncertain significance (1 of 4 stars; one submission).

Submission:

Labcorp Genetics (formerly Invitae), Labcorp
Classification: Uncertain significance. Last evaluated: 2023-10-11. Review status: criteria provided, single submitter. Criteria: Invitae Variant Classification Sherloc (09022015). Collection method: clinical testing. Allele origin: germline.
Comment: This sequence change replaces arginine, which is basic and polar, with leucine, which is neutral and non-polar, at codon 436 of the VAV1 protein (p.Arg436Leu). This variant is not present in population databases (gnomAD no frequency). This variant has not been reported in the literature in individuals affected with VAV1-related conditions. An algorithm developed to predict the effect of missense changes on protein structure and function (PolyPhen-2) suggests that this variant is likely to be disruptive. In summary, the available evidence is currently insufficient to determine the role of this variant in disease. Therefore, it has been classified as a Variant of Uncertain Significance.